The following is an entry in ClinVar:

NM_020840.3(FNIP2):c.1713G>A (p.Thr571=)

Gene: FNIP2 (folliculin interacting protein 2; plus strand). Cytogenetic location: 4q32.1.
Variant type: single nucleotide variant.
Coding change: c.1713G>A on transcript NM_020840.3 (MANE Select); coding-DNA position 1713, G replaced by A.
Protein change: p.Thr571=; no amino-acid change (threonine 571 retained).
Molecular consequence: synonymous variant.
Genome position (GRCh38, 1-based): chr4:158,868,349, G>A. VCF-style: chr4-158868349-G-A. GRCh37 (hg19) VCF-style: chr4-159789501-G-A.
Other names: c.1782G>A, p.Thr594= (NM_001323916.2); c.651G>A, p.Thr217= (NM_001346043.2); c.1872G>A, p.Thr624= (NM_001366843.1).
Identifiers: ClinVar variation 2655159 (VCV002655159.24), dbSNP rs73858598, ClinGen allele CA3123642.

ClinVar aggregate classification (germline): Likely benign (1 of 4 stars; one submission).

Allele frequency attached by ClinVar (database versions not stated): ExAC 0.00085; ESP Exome Variant Server 0.00206; gnomAD 0.00241; 1000 Genomes Project 30x 0.00265; 1000 Genomes Project 0.00300.
gnomAD v4.1: 1,092 of 1,613,970 alleles (0.068%); highest among the groups gnomAD compares: African/African-American, 0.76%; 3 homozygotes.

Submission:

CeGaT Center for Human Genetics Tuebingen
Classification: Likely benign. Last evaluated: 2022-06-01. Review status: criteria provided, single submitter. Criteria: CeGaT Center For Human Genetics Tuebingen Variant Classification Criteria Version 2. Collection method: clinical testing. Allele origin: germline. Affected: yes. Observed: 1 variant allele.
Comment: FNIP2: BP4, BP7